The following is an entry in ClinVar:

NM_013432.5(TONSL):c.641G>A (p.Arg214His)

Gene: TONSL (tonsoku like, DNA repair protein; minus strand). Cytogenetic location: 8q24.3.
Variant type: single nucleotide variant.
Coding change: c.641G>A on transcript NM_013432.5 (MANE Select); coding-DNA position 641, G replaced by A.
Protein change: p.Arg214His; replaces arginine 214 with histidine.
Molecular consequence: missense variant.
Genome position (GRCh38, 1-based): chr8:144,442,350, C>T on the plus strand (G>A on the coding strand, the complement: TONSL is on the minus strand). VCF-style: chr8-144442350-C-T. GRCh37 (hg19) VCF-style: chr8-145667733-C-T.
Other names: short protein forms R214H.
Identifiers: ClinVar variation 1494132 (VCV001494132.6), dbSNP rs558578623, ClinGen allele CA4943567.

ClinVar aggregate classification (germline): Uncertain significance (1 of 4 stars; one submission).

Allele frequency attached by ClinVar (database versions not stated): gnomAD 0.00003 and 0.00004.
gnomAD v4.1: 93 of 1,591,122 alleles (0.0058%); highest among the groups gnomAD compares: African/African-American, 0.008%; no homozygotes.

Submission:

Labcorp Genetics (formerly Invitae), Labcorp
Classification: Uncertain significance. Last evaluated: 2024-07-24. Review status: criteria provided, single submitter. Criteria: Invitae Variant Classification Sherloc (09022015). Collection method: clinical testing. Allele origin: germline.
Comment: This sequence change replaces arginine, which is basic and polar, with histidine, which is basic and polar, at codon 214 of the TONSL protein (p.Arg214His). This variant is present in population databases (rs558578623, gnomAD 0.01%). This variant has not been reported in the literature in individuals affected with TONSL-related conditions. ClinVar contains an entry for this variant (Variation ID: 1494132). Advanced modeling of protein sequence and biophysical properties (such as structural, functional, and spatial information, amino acid conservation, physicochemical variation, residue mobility, and thermodynamic stability) performed at Invitae indicates that this missense variant is expected to disrupt TONSL protein function with a positive predictive value of 80%. In summary, the available evidence is currently insufficient to determine the role of this variant in disease. Therefore, it has been classified as a Variant of Uncertain Significance.